The following is an entry in ClinVar:

ClinVar aggregate classification (germline): Uncertain significance (1 of 4 stars; one submission).

Conditions:
Glycine encephalopathy. Also called: Non-ketotic hyperglycinemia; Nonketotic hyperglycinemia. Identifiers: Orphanet 407, MedGen C0751748, MONDO:0011612, HP:0008288.

Allele frequency attached by ClinVar (database versions not stated): gnomAD exomes below 0.00001.
gnomAD v4.1: 4 of 1,613,710 alleles (0.00025%); highest among the groups gnomAD compares: Non-Finnish European, 0.00034%; no homozygotes.

Submission:

Labcorp Genetics (formerly Invitae), Labcorp
Classification: Uncertain significance for Glycine encephalopathy. Last evaluated: 2022-03-15. Review status: criteria provided, single submitter. Criteria: Invitae Variant Classification Sherloc (09022015). Collection method: clinical testing. Allele origin: germline.
Comment: This sequence change replaces glutamic acid, which is acidic and polar, with aspartic acid, which is acidic and polar, at codon 979 of the GLDC protein (p.Glu979Asp). This variant is present in population databases (no rsID available, gnomAD 0.0009%). This variant has not been reported in the literature in individuals affected with GLDC-related conditions. Advanced modeling of protein sequence and biophysical properties (such as structural, functional, and spatial information, amino acid conservation, physicochemical variation, residue mobility, and thermodynamic stability) performed at Invitae indicates that this missense variant is not expected to disrupt GLDC protein function. In summary, the available evidence is currently insufficient to determine the role of this variant in disease. Therefore, it has been classified as a Variant of Uncertain Significance.

NM_000170.3(GLDC):c.2937G>C (p.Glu979Asp)

Gene: GLDC (glycine decarboxylase; minus strand). Cytogenetic location: 9p24.1.
Variant type: single nucleotide variant.
Coding change: c.2937G>C on transcript NM_000170.3 (MANE Select); coding-DNA position 2937, G replaced by C.
Protein change: p.Glu979Asp; replaces glutamic acid 979 with aspartic acid.
Molecular consequence: missense variant.
Genome position (GRCh38, 1-based): chr9:6,533,143, C>G on the plus strand (G>C on the coding strand, the complement: GLDC is on the minus strand). VCF-style: chr9-6533143-C-G. GRCh37 (hg19) VCF-style: chr9-6533143-C-G.
Other names: short protein forms E979D.
Identifiers: ClinVar variation 1347138 (VCV001347138.5), dbSNP rs1271866161, ClinGen allele CA372881753.